The following is an entry in ClinVar:

ClinVar aggregate classification (germline): Uncertain significance (1 of 4 stars; one submission).

Conditions:
Idiopathic generalized epilepsy. Also called: EIG; Generalised epilepsy. Identifiers: MedGen C0270850, MONDO:0005579, OMIM 600669.
Hyperaldosteronism, familial, type IV (HALD4). Also called: FH IV; ALDOSTERONISM, PRIMARY, AND HYPERTENSION. Identifiers: Orphanet 642671, MedGen C4310756, MONDO:0014875, OMIM 617027.

Submission:

Labcorp Genetics (formerly Invitae), Labcorp
Classification: Uncertain significance for Idiopathic generalized epilepsy; Hyperaldosteronism, familial, type IV. Last evaluated: 2023-04-01. Review status: criteria provided, single submitter. Criteria: Invitae Variant Classification Sherloc (09022015). Collection method: clinical testing. Allele origin: germline.
Comment: In summary, the available evidence is currently insufficient to determine the role of this variant in disease. Therefore, it has been classified as a Variant of Uncertain Significance. Algorithms developed to predict the effect of sequence changes on RNA splicing suggest that this variant may disrupt the consensus splice site. This variant has not been reported in the literature in individuals affected with CACNA1H-related conditions. This variant is not present in population databases (gnomAD no frequency). This sequence change affects codon 1505 of the CACNA1H mRNA. It is a 'silent' change, meaning that it does not change the encoded amino acid sequence of the CACNA1H protein.

NM_021098.3(CACNA1H):c.4515A>G (p.Gly1505=)

Gene: CACNA1H (calcium voltage-gated channel subunit alpha1 H; plus strand). Cytogenetic location: 16p13.3.
Variant type: single nucleotide variant.
Coding change: c.4515A>G on transcript NM_021098.3 (MANE Select); coding-DNA position 4515, A replaced by G.
Protein change: p.Gly1505=; no amino-acid change (glycine 1505 retained).
Molecular consequence: synonymous variant.
Genome position (GRCh38, 1-based): chr16:1,211,754, A>G. VCF-style: chr16-1211754-A-G. GRCh37 (hg19) VCF-style: chr16-1261754-A-G.
Other names: c.4515A>G, p.Gly1505= (NM_001005407.2).
Identifiers: ClinVar variation 2940594 (VCV002940594.3), dbSNP rs2548706351, ClinGen allele CA493021277.